The following is an entry in ClinVar:

NM_014028.4(OSTM1):c.949+1G>C

Gene: OSTM1 (osteoclastogenesis associated transmembrane protein 1; minus strand). Cytogenetic location: 6q21.
Variant type: single nucleotide variant.
Coding change: c.949+1G>C on transcript NM_014028.4 (MANE Select); the canonical splice donor site of the intron after coding-DNA position 949, G replaced by C.
Molecular consequence: splice donor variant.
Genome position (GRCh38, 1-based): chr6:108,049,252, C>G on the plus strand (G>C on the coding strand, the complement: OSTM1 is on the minus strand). VCF-style: chr6-108049252-C-G. GRCh37 (hg19) VCF-style: chr6-108370456-C-G.
Identifiers: ClinVar variation 1465839 (VCV001465839.6), dbSNP rs1772033911, ClinGen allele CA365326854.

ClinVar aggregate classification (germline): Uncertain significance (1 of 4 stars; one submission).

Submission:

Labcorp Genetics (formerly Invitae), Labcorp
Classification: Uncertain significance. Last evaluated: 2022-06-27. Review status: criteria provided, single submitter. Criteria: Invitae Variant Classification Sherloc (09022015). Collection method: clinical testing. Allele origin: germline.
Comment: This sequence change affects a donor splice site in intron 5 of the OSTM1 gene. While this variant is not anticipated to result in nonsense mediated decay, it likely alters RNA splicing and results in a disrupted protein product. This variant is not present in population databases (gnomAD no frequency). This variant has not been reported in the literature in individuals affected with OSTM1-related conditions. Variants that disrupt the consensus splice site are a relatively common cause of aberrant splicing (PMID: 17576681, 9536098). Algorithms developed to predict the effect of sequence changes on RNA splicing suggest that this variant may disrupt the consensus splice site. In summary, the available evidence is currently insufficient to determine the role of this variant in disease. Therefore, it has been classified as a Variant of Uncertain Significance.

Literature cited by the submitters: PubMed 17576681; PubMed 9536098.